The following is an entry in ClinVar:

ClinVar aggregate classification (germline): Uncertain significance (1 of 4 stars; one submission).

Submission:

Labcorp Genetics (formerly Invitae), Labcorp
Classification: Uncertain significance. Last evaluated: 2023-05-15. Review status: criteria provided, single submitter. Criteria: Invitae Variant Classification Sherloc (09022015). Collection method: clinical testing. Allele origin: unknown.
Comment: In summary, the available evidence is currently insufficient to determine the role of this variant in disease. Therefore, it has been classified as a Variant of Uncertain Significance. This variant has not been reported in the literature in individuals affected with NUP62-related conditions. A copy number gain of the genomic region encompassing the full coding sequence of the NUP62 gene has been identified. The boundaries of this event are unknown as they extend beyond the assayed region for this gene and therefore may encompass additional genes. As the precise location of this event is unknown, it may be in tandem or it may be located elsewhere in the genome.

NC_000019.9:g.(?_50411496)_(50413064_?)dup

Genes: IL4I1 (interleukin 4 induced 1; minus strand), NUP62 (nucleoporin 62; minus strand). Cytogenetic location: 19q13.33.
Variant type: Duplication.
Identifiers: ClinVar variation 3242730 (VCV003242730.1).